The following is an entry in ClinVar:

ClinVar aggregate classification (germline): Uncertain significance. Review status: criteria provided, multiple submitters, no conflicts (2 of 4 stars). 4 submissions from 4 submitters: Uncertain significance (4). Last evaluated 2026-09-01.

Conditions:
Hypophosphatasia. Also called: Phosphoethanol-aminuria. Identifiers: Orphanet 436, MedGen C0020630, MeSH D007014, MONDO:0018570.

Allele frequency attached by ClinVar (database versions not stated): gnomAD 0.00003 and 0.00004; ESP Exome Variant Server 0.00008; ExAC 0.00003; TOPMed 0.00005; gnomAD exomes 0.00001 and 0.00003.
gnomAD v4.1: 20 of 1,599,660 alleles (0.0013%); highest among the groups gnomAD compares: African/African-American, 0.0027%; no homozygotes.

Submissions (4):

Genomenon, Inc
Classification: Uncertain significance for Hypophosphatasia. Last evaluated: 2026-09-01. Review status: criteria provided, single submitter. Criteria: Genomenon Sequence Variant Interpretation Standards - Updated. Collection method: curation. Allele origin: germline. Affected: no.
Comment: ALPL p.Ala514Val (c.1541C>T) is a missense variant that changes the amino acid at codon 514 from Alanine to Valine. This variant has been reported in the published literature (PMID:32160374). It is absent or not present at a significant frequency in gnomAD. In conclusion, we classify ALPL p.Ala514Val (c.1541C>T) as a variant of uncertain significance.

GeneDx
Classification: Uncertain significance. Last evaluated: 2024-09-10. Review status: criteria provided, single submitter. Criteria: GeneDx Variant Classification Process June 2021. Collection method: clinical testing. Allele origin: germline. Affected: yes.
Comment: In silico analysis indicates that this missense variant does not alter protein structure/function; Has not been previously published as pathogenic or benign to our knowledge

Labcorp Genetics (formerly Invitae), Labcorp
Classification: Uncertain significance. Last evaluated: 2022-07-30. Review status: criteria provided, single submitter. Criteria: Invitae Variant Classification Sherloc (09022015). Collection method: clinical testing. Allele origin: germline.
Comment: This sequence change replaces alanine, which is neutral and non-polar, with valine, which is neutral and non-polar, at codon 514 of the ALPL protein (p.Ala514Val). This variant is present in population databases (rs371373128, gnomAD 0.007%). This variant has not been reported in the literature in individuals affected with ALPL-related conditions. ClinVar contains an entry for this variant (Variation ID: 1343485). Advanced modeling of protein sequence and biophysical properties (such as structural, functional, and spatial information, amino acid conservation, physicochemical variation, residue mobility, and thermodynamic stability) performed at Invitae indicates that this missense variant is not expected to disrupt ALPL protein function. Experimental studies have shown that this missense change does not substantially affect ALPL function (PMID: 32160374). In summary, the available evidence is currently insufficient to determine the role of this variant in disease. Therefore, it has been classified as a Variant of Uncertain Significance.

Women's Health and Genetics/Laboratory Corporation of America, LabCorp
Classification: Uncertain significance. Last evaluated: 2022-02-21. Review status: criteria provided, single submitter. Criteria: LabCorp Variant Classification Summary - May 2015. Collection method: clinical testing. Allele origin: germline.
Comment: Variant summary: ALPL c.1541C>T (p.Ala514Val) results in a non-conservative amino acid change in the encoded protein sequence. Four of five in-silico tools predict a benign effect of the variant on protein function. The variant allele was found at a frequency of 3e-05 in 233816 control chromosomes. The available data on variant occurrences in the general population are insufficient to allow any conclusion about variant significance. To our knowledge, no occurrence of c.1541C>T in individuals affected with Hypophosphatasia has been reported. At least one publication reports experimental evidence evaluating an impact on protein function (del Angel_2020). The most pronounced variant effect results in >88-91% of normal tissue nonspecific alkaline phosphatase (TNSALP) activity in vitro (example, del Angel_2020). No clinical diagnostic laboratories have submitted clinical-significance assessments for this variant to ClinVar after 2014. Based on the evidence outlined above, the variant was classified as uncertain significance.

Literature cited by the submitters: PubMed 32160374 (cited by 3 submitters).

NM_000478.6(ALPL):c.1541C>T (p.Ala514Val)

Gene: ALPL (alkaline phosphatase, biomineralization associated; plus strand). Cytogenetic location: 1p36.12.
Variant type: single nucleotide variant.
Coding change: c.1541C>T on transcript NM_000478.6 (MANE Select); coding-DNA position 1541, C replaced by T.
Protein change: p.Ala514Val; replaces alanine 514 with valine.
Molecular consequence: missense variant.
Genome position (GRCh38, 1-based): chr1:21,577,614, C>T. VCF-style: chr1-21577614-C-T. GRCh37 (hg19) VCF-style: chr1-21904107-C-T.
Other names: c.1541C>T (NM_000478.4); c.1376C>T, p.Ala459Val (NM_001127501.4); c.1310C>T, p.Ala437Val (NM_001177520.3); c.1541C>T, p.Ala514Val (NM_001369803.2, NM_001369804.2, NM_001369805.2); short protein forms A437V, A459V, A514V.
Identifiers: ClinVar variation 1343485 (VCV001343485.6), dbSNP rs371373128, ClinGen allele CA666876.
Genomic context (GRCh38, chr1:21,577,614, plus strand): 5'-TCGGCCACTGTGCTCCTGCCAGCTCGGCAGGCAGCCTTGCTGCAGGCCCCCTGCTGCTCG[C>T]GCTGGCCCTCTACCCCCTGAGCGTCCTGTTCTGAGGGCCCAGGGCCCGGGCACCCACAAG-3'
Protein context (NP_000469.3, residues 504-524): GSLAAGPLLL[Ala514Val]LALYPLSVLF